The following is an entry in ClinVar:

ClinVar aggregate classification (germline): Pathogenic/Likely pathogenic. Review status: criteria provided, multiple submitters, no conflicts (2 of 4 stars). 2 submissions from 2 submitters: Pathogenic (1); Likely pathogenic (1). Last evaluated 2024-02-29.

Conditions:
Medium-chain acyl-coenzyme A dehydrogenase deficiency (ACADMD). Also called: ACADM DEFICIENCY; MCADH DEFICIENCY; MCADD; CARNITINE DEFICIENCY SECONDARY TO MEDIUM-CHAIN ACYL-CoA DEHYDROGENASE DEFICIENCY; Medium chain acyl-CoA dehydrogenase deficiency; MCAD Deficiency. Identifiers: Orphanet 42, MedGen C0220710, MONDO:0008721, OMIM 201450.

Submissions (2):

Natera, Inc.
Classification: Likely pathogenic for Medium Chain Acyl-CoA Dehydrogenase Deficiency. Last evaluated: 2024-02-29. Review status: criteria provided, single submitter. Criteria: Natera Variant Classification Schema (03/2026). Collection method: clinical testing. Allele origin: germline.
Comment: The c.1049_1055dupATACCTA variant in ACADM is a frameshift variant predicted to shift the reading frame and introduce a stop codon. This variant is expected to result in nonsense mediated decay, truncation, or a dysfunctional protein product. This variant is rare in the general population with a frequency below the threshold expected for the associated phenotype(s). Given the available evidence, this variant is classified as Likely Pathogenic.

Labcorp Genetics (formerly Invitae), Labcorp
Classification: Pathogenic for Medium-chain acyl-coenzyme A dehydrogenase deficiency. Last evaluated: 2023-10-06. Review status: criteria provided, single submitter. Criteria: Invitae Variant Classification Sherloc (09022015). Collection method: clinical testing. Allele origin: germline.
Comment: This sequence change creates a premature translational stop signal (p.Tyr352*) in the ACADM gene. It is expected to result in an absent or disrupted protein product. Loss-of-function variants in ACADM are known to be pathogenic (PMID: 16121256, 20434380). This variant is not present in population databases (gnomAD no frequency). This variant has not been reported in the literature in individuals affected with ACADM-related conditions. Algorithms developed to predict the effect of sequence changes on RNA splicing suggest that this variant may disrupt the consensus splice site. For these reasons, this variant has been classified as Pathogenic.

Literature cited by the submitters: PubMed 16121256 (cited by Labcorp Genetics (formerly Invitae), Labcorp); PubMed 20434380 (cited by Labcorp Genetics (formerly Invitae), Labcorp).

NM_000016.6(ACADM):c.1049_1055dup (p.Tyr352Ter)

Gene: ACADM (acyl-CoA dehydrogenase medium chain; plus strand). Cytogenetic location: 1p31.1.
Variant type: Duplication.
Coding change: c.1049_1055dup on transcript NM_000016.6 (MANE Select); coding-DNA positions 1049 to 1055, 7 bases duplicated (ATACCTA; older notation c.1049_1055dupATACCTA).
Protein change: p.Tyr352Ter; replaces tyrosine 352 with a stop codon.
Molecular consequence: nonsense.
Genome position (GRCh38, 1-based): chr1:75,761,225-75,761,231, ATACCTA duplicated; duplicating any 7 consecutive bases within chr1:75,761,224-75,761,231 gives the same sequence; the c. name uses the placement nearest the transcript's 3' end. VCF-style (leftmost placement, unchanged base first): chr1-75761223-A-AAATACCT. GRCh37 (hg19) VCF-style: chr1-76226908-A-AAATACCT.
Other names: c.1049_1055dupATACCTA (NM_000016.5); c.1061_1067dup, p.Tyr356Ter (NM_001127328.3); c.941_947dup, p.Tyr316Ter (NM_001286042.2); c.1148_1154dup, p.Tyr385Ter (NM_001286043.2); c.482_488dup, p.Tyr163Ter (NM_001286044.2); short protein forms Y356*, Y385*, Y163*, Y316*, Y352*.
Identifiers: ClinVar variation 2861388 (VCV002861388.4), dbSNP rs2525698959, ClinGen allele CA2646248322.